The following is an entry in ClinVar:

NM_014874.4(MFN2):c.1403G>A (p.Arg468His)

Gene: MFN2 (mitofusin 2; plus strand). Cytogenetic location: 1p36.22.
Variant type: single nucleotide variant.
Coding change: c.1403G>A on transcript NM_014874.4 (MANE Select); coding-DNA position 1403, G replaced by A.
Protein change: p.Arg468His; replaces arginine 468 with histidine.
Molecular consequence: missense variant.
Genome position (GRCh38, 1-based): chr1:12,004,835, G>A. VCF-style: chr1-12004835-G-A. GRCh37 (hg19) VCF-style: chr1-12064892-G-A.
Other names: p.R468H:CGC>CAC; p.Arg468His; c.1403G>A, p.Arg468His (NM_001127660.2); short protein forms R468H.
Identifiers: ClinVar variation 2282 (VCV000002282.79), dbSNP rs138382758, ClinGen allele CA252169.

ClinVar aggregate classification (germline): Conflicting classifications of pathogenicity. Review status: criteria provided, conflicting classifications (1 of 4 stars). 18 submissions from 17 submitters: Likely pathogenic (1); Uncertain significance (1); Benign (4); Likely benign (8). 4 of the submissions do not count toward it. Last evaluated 2026-09-18.

Conditions:
MFN2-related disorder. Also called: MFN2-related condition; MFN2-related disorders.
Optic atrophy. Identifiers: MedGen C0029124, MONDO:0003608, HP:0000648.
Inborn genetic diseases. Identifiers: MedGen C0950123, MeSH D030342.
Charcot-Marie-Tooth disease. Also called: Charcot-Marie-Tooth Neuropathy; Charcot-Marie-Tooth Hereditary Neuropathy. Identifiers: Orphanet 166, MedGen C0007959, MONDO:0015626.
Charcot-Marie-Tooth disease type 2. Also called: Charcot-Marie-Tooth type 2. Identifiers: Orphanet 64746, MedGen C0270914, MONDO:0018993.
Retinal dystrophy. Also called: Inherited retinal dystrophy. Identifiers: Orphanet 71862, MedGen C0854723, MeSH D058499, MONDO:0019118, HP:0000556.
Charcot-Marie-Tooth disease type 2A2. Also called: Charcot-Marie-Tooth Neuropathy Type 2A2; CHARCOT-MARIE-TOOTH DISEASE, AXONAL, TYPE 2A2; CHARCOT-MARIE-TOOTH DISEASE, NEURONAL, TYPE 2A2; HEREDITARY MOTOR AND SENSORY NEUROPATHY IIA2; HMSN IIA2; CHARCOT-MARIE-TOOTH DISEASE, AXONAL, AUTOSOMAL DOMINANT, TYPE 2A2A. Identifiers: Orphanet 99947, MedGen C4721887, MONDO:0012231, OMIM 609260.
Hereditary motor and sensory neuropathy with optic atrophy. Also called: CHARCOT-MARIE-TOOTH DISEASE, TYPE 6; PERIPHERAL NEUROPATHY AND OPTIC ATROPHY. Identifiers: Orphanet 90120, MedGen C0393807, MONDO:0019551.
Tip-toe gait. Also called: Toe walking. Identifiers: MedGen C0427144, HP:0030051.

Allele frequency attached by ClinVar (database versions not stated): TOPMed 0.00238; 1000 Genomes Project 0.00200; 1000 Genomes Project 30x 0.00203; gnomAD 0.00255 and 0.00237; gnomAD exomes 0.00279 and 0.00215; ESP Exome Variant Server 0.00192; ExAC 0.00229.
gnomAD v4.1: 4,448 of 1,613,718 alleles (0.28%); highest among the groups gnomAD compares: Non-Finnish European, 0.31%; 9 homozygotes.

Submissions (18):

PreventionGenetics, part of Exact Sciences
Classification: Likely benign for MFN2-related condition. Last evaluated: 2026-09-18. Review status: criteria provided, single submitter. Criteria: ACMG Guidelines, 2015. Collection method: clinical testing. Allele origin: germline.
Comment: This variant is classified as likely benign based on ACMG/AMP sequence variant interpretation guidelines (Richards et al. 2015 PMID: 25741868, with internal and published modifications).

CeGaT Center for Human Genetics Tuebingen
Classification: Likely benign. Last evaluated: 2026-09-01. Review status: criteria provided, single submitter. Criteria: CeGaT Center For Human Genetics Tuebingen Variant Classification Criteria Version 2. Collection method: clinical testing. Allele origin: germline. Affected: yes. Observed: 12 variant alleles.
Comment: MFN2: BS2

Labcorp Genetics (formerly Invitae), Labcorp
Classification: Benign for Charcot-Marie-Tooth disease type 2. Last evaluated: 2026-01-28. Review status: criteria provided, single submitter. Criteria: Invitae Variant Classification Sherloc (09022015). Collection method: clinical testing. Allele origin: germline.

ARUP Laboratories, Molecular Genetics and Genomics, ARUP Laboratories
Classification: Likely benign. Last evaluated: 2025-06-26. Review status: criteria provided, single submitter. Criteria: ARUP Molecular Germline Variant Investigation Process 2024. Collection method: clinical testing. Allele origin: germline.

Blueprint Genetics
Classification: Likely benign. Last evaluated: 2024-11-15. Review status: criteria provided, single submitter. Criteria: ACMG Guidelines, 2015. Collection method: clinical testing. Allele origin: germline.

Mayo Clinic Laboratories, Mayo Clinic
Classification: Benign. Last evaluated: 2024-02-19. Review status: criteria provided, single submitter. Criteria: ACMG Guidelines, 2015. Collection method: clinical testing. Allele origin: germline. Observed: 15 variant alleles.
Comment: BS1, BS2

Mendelics
Classification: Benign for Charcot-Marie-Tooth disease type 2A2. Last evaluated: 2023-08-22. Review status: criteria provided, single submitter. Criteria: Mendelics Assertion Criteria 2019. Collection method: clinical testing. Allele origin: germline.

Ambry Genetics
Classification: Likely benign for Inborn genetic diseases. Last evaluated: 2021-08-20. Review status: criteria provided, single submitter. Criteria: Ambry Variant Classification Scheme 2023. Collection method: clinical testing. Allele origin: germline.

Practice for Gait Abnormalities, David Pomarino, Competency Network Toe Walking C/o Practice Pomarino
Classification: Likely pathogenic for Tip-toe gait. Last evaluated: 2021-03-17. Review status: criteria provided, single submitter. Criteria: ACMG Guidelines, 2015. Collection method: clinical testing. Allele origin: unknown. Affected: yes.
Comment: The variant has been described in numerous publications in patients with symptoms of Charcot-Marie-Tooth disease (CMT) and has been detected in 3.4% of CMT families [Braathen (2010) BMC Med Genet 11: 48]. In 6 of 14 Spanish families, the variant was described in patients with mild to moderate CMT2 symptoms, which, however, only occurred in the 3rd-5th decade of life [Casasnovas (2010) J Med Genet 47: 249]. [Antoniadi (2015) BMC Med Genet 16:84; Braathen (2010) BMC Med Genet 11:48]. Hereditary motor sensory neuropathy (HMSN), also known as Charcot-Marie-Tooth Disease (CMT), is the most commonly inherited peripheral polyneuropathy. It constitutes a group of inherited, progressive, motor and sensory peripheral nerve disorders with properties of demyelination, axonal degeneration, or both. It is classified by clinical characteristics, modes of inheritance, electrophysiologic features, metabolic defects, and specific gene markers. Our patients all walk on tiptoe, so they show similar symptoms. When we genetically test them with our toe walking panel, we find that around 90 per cent of them have a genetic variant that explains their toe walking. These can be assigned, for example, to the area of myopathies (such as variants of the COL6A3 gene), the area of hereditary neuropathies (such as variants of the KMT2C gene) or the area of metabolic diseases (such as variants of the PYGM gene). In a smaller group of patients with almost identical symptoms, no abnormality is found in the genes of our panel, but spastic paraplegia can be detected. In another small group of our toe walkers, no abnormalities can be detected in the genes analysed in our toe walking panel, nor do they suffer from spastic paraplegia, as is also the case with healthy children. In contrast to these, however, they show a tiptoe gait. These patients suffer from infantile cerebral palsy, in which toe walking can also be observed.

Athena Diagnostics
Classification: Benign. Last evaluated: 2018-05-17. Review status: criteria provided, single submitter. Criteria: Athena Diagnostics Criteria. Collection method: clinical testing. Allele origin: germline.

GeneDx
Classification: Likely benign. Last evaluated: 2017-12-01. Review status: criteria provided, single submitter. Criteria: GeneDx Variant Classification (06012015). Collection method: clinical testing. Allele origin: germline. Affected: yes.
Comment: This variant is considered likely benign or benign based on one or more of the following criteria: it is a conservative change, it occurs at a poorly conserved position in the protein, it is predicted to be benign by multiple in silico algorithms, and/or has population frequency not consistent with disease.

Illumina Laboratory Services, Illumina
Classification: Likely benign for Neuropathy, hereditary motor and sensory, type 6A. Last evaluated: 2017-04-27. Review status: criteria provided, single submitter. Criteria: ICSL Variant Classification Criteria 13 December 2019. Collection method: clinical testing. Allele origin: germline.
Comment: This variant was observed as part of a predisposition screen in an ostensibly healthy population. A literature search was performed for the gene, cDNA change, and amino acid change (where applicable). Publications were found based on this search. The evidence from the literature, in combination with allele frequency data from public databases where available, was sufficient to determine this variant is unlikely to cause disease. Therefore, this variant is classified as likely benign.

Eurofins Ntd Llc (ga)
Classification: Uncertain significance. Last evaluated: 2015-11-19. Review status: criteria provided, single submitter. Criteria: EGL Classification Definitions 2015. Collection method: clinical testing. Allele origin: germline. Observed: 3 variant alleles, 3 heterozygotes.

Molecular Genetics Laboratory, London Health Sciences Centre
Classification: Likely benign for Charcot-Marie-Tooth disease. Review status: criteria provided, single submitter. Criteria: ACMG Guidelines, 2015. Collection method: clinical testing. Allele origin: germline. Affected: yes.

Institute of Human Genetics, Univ. Regensburg, Univ. Regensburg
Classification: Uncertain significance for Optic atrophy. Last evaluated: 2023-01-01. Review status: flagged submission. Criteria: ACMG Guidelines, 2015. Collection method: clinical testing. Allele origin: germline. Affected: yes. Not counted in ClinVar's aggregate classification.
ClinVar note: Reason: Outlier claim with insufficient supporting evidence

Institute of Human Genetics, Univ. Regensburg, Univ. Regensburg
Classification: Uncertain significance for Retinal dystrophy. Last evaluated: 2023-01-01. Review status: flagged submission. Criteria: ACMG Guidelines, 2015. Collection method: clinical testing. Allele origin: germline. Affected: yes. Not counted in ClinVar's aggregate classification.
ClinVar note: Reason: Outlier claim with insufficient supporting evidence

Solve-RD Consortium
Classification: Likely pathogenic for Charcot-Marie-Tooth disease type 2A2. Last evaluated: 2022-06-01. Review status: flagged submission. Collection method: provider interpretation. Allele origin: inherited. Affected: yes. Not counted in ClinVar's aggregate classification.
Comment: Variant confirmed as disease-causing by referring clinical team

Variant identified during reanalysis of unsolved cases by the Solve-RD project. The Solve-RD project has received funding from the European Union’s Horizon 2020 research and innovation programme under grant agreement No 779257.
ClinVar note: Reason: Outlier claim with insufficient supporting evidence

OMIM
Classification: Pathogenic for CHARCOT-MARIE-TOOTH DISEASE, AXONAL, TYPE 2A2A. Last evaluated: 2010-04-01. Review status: flagged submission. Collection method: literature only. Allele origin: germline. Not counted in ClinVar's aggregate classification.
ClinVar note: Reason: Outlier claim with insufficient supporting evidence

Literature cited by the submitters: PubMed 37091313 (cited by Practice for Gait Abnormalities, David Pomarino, Competency Network Toe Walking C/o Practice Pomarino); PubMed 27582484 (cited by Athena Diagnostics); PubMed 26392352 (cited by 3 submitters); PubMed 26143526 (cited by Athena Diagnostics); PubMed 25403865 (cited by Athena Diagnostics); PubMed 26382835 (cited by Athena Diagnostics); PubMed 29473246 (cited by Athena Diagnostics); PubMed 21258814 (cited by 3 submitters); PubMed 28251916 (cited by Athena Diagnostics and Institute of Human Genetics, Univ. Regensburg, Univ. Regensburg); PubMed 16762064 (cited by 3 submitters); PubMed 19889647 (cited by 4 submitters); PubMed 20350294 (cited by 3 submitters); PubMed 21519004 (cited by 3 submitters); PubMed 22492563 (cited by Institute of Human Genetics, Univ. Regensburg, Univ. Regensburg); PubMed 26764160 (cited by Institute of Human Genetics, Univ. Regensburg, Univ. Regensburg); PubMed 32483926 (cited by Institute of Human Genetics, Univ. Regensburg, Univ. Regensburg); PubMed 33333791 (cited by Institute of Human Genetics, Univ. Regensburg, Univ. Regensburg); PubMed 33415332 (cited by Institute of Human Genetics, Univ. Regensburg, Univ. Regensburg); PubMed 33841295 (cited by Institute of Human Genetics, Univ. Regensburg, Univ. Regensburg); PubMed 34426522 (cited by Institute of Human Genetics, Univ. Regensburg, Univ. Regensburg); PubMed 32376792 (cited by Institute of Human Genetics, Univ. Regensburg, Univ. Regensburg); PubMed 35449525 (cited by Institute of Human Genetics, Univ. Regensburg, Univ. Regensburg); PubMed 39825153 (cited by Solve-RD Consortium).